The following is an entry in ClinVar:

ClinVar aggregate classification (germline): Conflicting classifications of pathogenicity. Review status: criteria provided, conflicting classifications (1 of 4 stars). 2 submissions from 2 submitters: Uncertain significance (1); Likely benign (1). Last evaluated 2024-11-07.

Conditions:
Intellectual developmental disorder, autosomal dominant 1. Also called: MBD5 Haploinsufficiency; Intellectual disability, autosomal dominant 1. Identifiers: Orphanet 228402, MedGen C1969562, MONDO:0007974, OMIM 156200.

Allele frequency attached by ClinVar (database versions not stated): gnomAD exomes below 0.00001; ExAC 0.00001.
gnomAD v4.1: 6 of 1,614,116 alleles (0.00037%); highest among the groups gnomAD compares: Non-Finnish European, 0.00051%; no homozygotes.

Submissions (2):

Labcorp Genetics (formerly Invitae), Labcorp
Classification: Uncertain significance for Intellectual developmental disorder, autosomal dominant 1. Last evaluated: 2024-11-07. Review status: criteria provided, single submitter. Criteria: Invitae Variant Classification Sherloc (09022015). Collection method: clinical testing. Allele origin: germline.
Comment: This sequence change replaces arginine, which is basic and polar, with serine, which is neutral and polar, at codon 1252 of the MBD5 protein (p.Arg1252Ser). This variant is present in population databases (rs747940875, gnomAD 0.0009%). This variant has not been reported in the literature in individuals affected with MBD5-related conditions. ClinVar contains an entry for this variant (Variation ID: 513308). Experimental studies and prediction algorithms are not available or were not evaluated, and the functional significance of this variant is currently unknown. In summary, the available evidence is currently insufficient to determine the role of this variant in disease. Therefore, it has been classified as a Variant of Uncertain Significance.

GeneDx
Classification: Likely benign. Last evaluated: 2017-11-10. Review status: criteria provided, single submitter. Criteria: GeneDx Variant Classification (06012015). Collection method: clinical testing. Allele origin: germline. Affected: yes.
Comment: This variant is considered likely benign or benign based on one or more of the following criteria: it is a conservative change, it occurs at a poorly conserved position in the protein, it is predicted to be benign by multiple in silico algorithms, and/or has population frequency not consistent with disease.

NM_001378120.1(MBD5):c.4455A>C (p.Arg1485Ser)

Gene: MBD5 (methyl-CpG binding domain protein 5; plus strand). Cytogenetic location: 2q23.1.
Variant type: single nucleotide variant.
Coding change: c.4455A>C on transcript NM_001378120.1 (MANE Select); coding-DNA position 4455, A replaced by C.
Protein change: p.Arg1485Ser; replaces arginine 1485 with serine.
Molecular consequence: missense variant.
Genome position (GRCh38, 1-based): chr2:148,490,087, A>C. VCF-style: chr2-148490087-A-C. GRCh37 (hg19) VCF-style: chr2-149247656-A-C.
Other names: c.3756A>C, p.Arg1252Ser (NM_018328.5); short protein forms R1252S, R1485S.
Identifiers: ClinVar variation 513308 (VCV000513308.4), dbSNP rs747940875, ClinGen allele CA1900427.